The following is an entry in ClinVar:

ClinVar aggregate classification (germline): Uncertain significance. Review status: criteria provided, multiple submitters, no conflicts (2 of 4 stars). 2 submissions from 2 submitters: Uncertain significance (2). Last evaluated 2024-09-13.

Allele frequency attached by ClinVar (database versions not stated): ExAC 0.00002; gnomAD 0.00002; TOPMed 0.00005.
gnomAD v4.1: 7 of 1,602,798 alleles (0.00044%); highest among the groups gnomAD compares: African/African-American, 0.0094%; no homozygotes.

Submissions (2):

Blueprint Genetics
Classification: Uncertain significance. Last evaluated: 2024-09-13. Review status: criteria provided, single submitter. Criteria: ACMG Guidelines, 2015. Collection method: clinical testing. Allele origin: germline.

Labcorp Genetics (formerly Invitae), Labcorp
Classification: Uncertain significance. Last evaluated: 2022-09-12. Review status: criteria provided, single submitter. Criteria: Invitae Variant Classification Sherloc (09022015). Collection method: clinical testing. Allele origin: germline.
Comment: This sequence change replaces serine, which is neutral and polar, with cysteine, which is neutral and slightly polar, at codon 158 of the TMEM126B protein (p.Ser158Cys). This variant is present in population databases (rs753639878, gnomAD 0.02%). This variant has not been reported in the literature in individuals affected with TMEM126B-related conditions. Algorithms developed to predict the effect of missense changes on protein structure and function (SIFT, PolyPhen-2, Align-GVGD) all suggest that this variant is likely to be tolerated. In summary, the available evidence is currently insufficient to determine the role of this variant in disease. Therefore, it has been classified as a Variant of Uncertain Significance.

NM_018480.7(TMEM126B):c.473C>G (p.Ser158Cys)

Gene: TMEM126B (transmembrane protein 126B; plus strand). Cytogenetic location: 11q14.1.
Variant type: single nucleotide variant.
Coding change: c.473C>G on transcript NM_018480.7 (MANE Select); coding-DNA position 473, C replaced by G.
Protein change: p.Ser158Cys; replaces serine 158 with cysteine.
Molecular consequence: missense variant. On other transcripts: non-coding transcript variant (2).
Genome position (GRCh38, 1-based): chr11:85,635,742, C>G. VCF-style: chr11-85635742-C-G. GRCh37 (hg19) VCF-style: chr11-85346786-C-G.
Other names: c.413C>G, p.Ser138Cys (NM_001193537.3); c.383C>G, p.Ser128Cys (NM_001193538.3, NM_001256546.2); c.335C>G, p.Ser112Cys (NM_001256547.2); c.248C>G, p.Ser83Cys (NM_001350393.1); short protein forms S138C, S112C, S83C, S128C, S158C.
Identifiers: ClinVar variation 2175845 (VCV002175845.2), dbSNP rs753639878, ClinGen allele CA6212521.
Genomic context (GRCh38, chr11:85,635,742, plus strand): 5'-AAAACTGTGTTTTCAGAAGCTCACTGATTGGCATAGTTTGTGGTGTTTTCTATCCCAGTT[C>G]TTTGGCTTTTACTAAAAATGGACGCCTGGCAACCAAGTAAGTTCTTCCTTTTCCTTCTTT-3'
Protein context (NP_060950.3, residues 148-168): GIVCGVFYPS[Ser158Cys]LAFTKNGRLA